The following is an entry in ClinVar:

NM_001365999.1(SZT2):c.9636C>G (p.Phe3212Leu)

Genes: SZT2 (SZT2 subunit of KICSTOR complex; plus strand), SZT2-AS1 (SZT2 antisense RNA 1; minus strand). Cytogenetic location: 1p34.2.
Variant type: single nucleotide variant.
Coding change: c.9636C>G on transcript NM_001365999.1 (MANE Select); coding-DNA position 9636, C replaced by G.
Protein change: p.Phe3212Leu; replaces phenylalanine 3212 with leucine.
Molecular consequence: missense variant. On other transcripts: non-coding transcript variant (1).
Genome position (GRCh38, 1-based): chr1:43,448,151, C>G. VCF-style: chr1-43448151-C-G. GRCh37 (hg19) VCF-style: chr1-43913822-C-G.
Other names: c.9465C>G, p.Phe3155Leu (NM_015284.4); short protein forms F3155L, F3212L.
Identifiers: ClinVar variation 1696068 (VCV001696068.2), dbSNP rs1252399076, ClinGen allele CA340043939.

ClinVar aggregate classification (germline): Uncertain significance (1 of 4 stars; one submission).

Submission:

Women's Health and Genetics/Laboratory Corporation of America, LabCorp
Classification: Uncertain significance. Last evaluated: 2024-01-05. Review status: criteria provided, single submitter. Criteria: LabCorp Variant Classification Summary - May 2015. Collection method: clinical testing. Allele origin: germline.
Comment: Variant summary: SZT2 c.9465C>G (p.Phe3155Leu) results in a non-conservative amino acid change in the encoded protein sequence. Three of four in-silico tools predict a benign effect of the variant on protein function. The variant was absent in 247492 control chromosomes (gnomAD). The available data on variant occurrences in the general population are insufficient to allow any conclusion about variant significance. To our knowledge, no occurrence of c.9465C>G in individuals affected with Early Infantile Epileptic Encephalopathy 18 and no experimental evidence demonstrating its impact on protein function have been reported. ClinVar contains an entry for this variant (Variation ID: 1696068). Based on the evidence outlined above, the variant was classified as uncertain significance.